The following is an entry in ClinVar:

NC_000002.12:g.(?_214730216)_(214769312_?)del

Gene: BARD1 (BRCA1 associated RING domain 1; minus strand). Cytogenetic location: 2q35.
Variant type: Deletion.
Identifiers: ClinVar variation 830492 (VCV000830492.4).

ClinVar aggregate classification (germline): Likely pathogenic (1 of 4 stars; one submission).

Conditions:
Familial cancer of breast. Also called: BREAST CANCER, FAMILIAL; Hereditary breast cancer; hereditary breast carcinoma. Identifiers: Orphanet 227535, MedGen C0346153, MONDO:0016419, OMIM 114480. Disease mechanism: loss of function.

Submission:

Labcorp Genetics (formerly Invitae), Labcorp
Classification: Likely pathogenic for Familial cancer of breast. Last evaluated: 2019-07-26. Review status: criteria provided, single submitter. Criteria: Invitae Variant Classification Sherloc (09022015). Collection method: clinical testing. Allele origin: germline.
Comment: In summary, the currently available evidence indicates that the variant is pathogenic, but additional data are needed to prove that conclusively. Therefore, this variant has been classified as Likely Pathogenic. This variant disrupts most of the 3 ankyrin repeats and the first BRCT motif of the BARD1 protein, which is essential for both chromosome stability and homology-directed repair (PMID: 17848578). While functional studies have not been performed to directly test the effect of this variant on BARD1 protein function, this suggests that disruption of this region of the protein is causative of disease. This variant has not been reported in the literature in individuals with BARD1-related conditions. This variant is an in-frame deletion of the genomic region encompassing exons 5-10 of the BARD1 gene. It preserves the integrity of the reading frame.

Literature cited by the submitters: PubMed 17848578.